The following is an entry in ClinVar:

ClinVar aggregate classification (germline): Uncertain significance (1 of 4 stars; one submission).

Conditions:
Autosomal recessive severe congenital neutropenia due to CSF3R deficiency. Also called: Neutropenia, severe congenital, 7, autosomal recessive. Identifiers: Orphanet 420702, MedGen C4310764, MONDO:0014865, OMIM 617014.

Allele frequency attached by ClinVar (database versions not stated): TOPMed below 0.00001.

Submission:

Labcorp Genetics (formerly Invitae), Labcorp
Classification: Uncertain significance for Autosomal recessive severe congenital neutropenia due to CSF3R deficiency. Last evaluated: 2023-12-05. Review status: criteria provided, single submitter. Criteria: Invitae Variant Classification Sherloc (09022015). Collection method: clinical testing. Allele origin: germline.
Comment: This sequence change replaces proline, which is neutral and non-polar, with leucine, which is neutral and non-polar, at codon 454 of the CSF3R protein (p.Pro454Leu). This variant is not present in population databases (gnomAD no frequency). This variant has not been reported in the literature in individuals affected with CSF3R-related conditions. Advanced modeling of protein sequence and biophysical properties (such as structural, functional, and spatial information, amino acid conservation, physicochemical variation, residue mobility, and thermodynamic stability) performed at Invitae indicates that this missense variant is not expected to disrupt CSF3R protein function with a negative predictive value of 80%. In summary, the available evidence is currently insufficient to determine the role of this variant in disease. Therefore, it has been classified as a Variant of Uncertain Significance.

NM_000760.4(CSF3R):c.1361C>T (p.Pro454Leu)

Gene: CSF3R (colony stimulating factor 3 receptor; minus strand). Cytogenetic location: 1p34.3.
Variant type: single nucleotide variant.
Coding change: c.1361C>T on transcript NM_000760.4 (MANE Select); coding-DNA position 1361, C replaced by T.
Protein change: p.Pro454Leu; replaces proline 454 with leucine.
Molecular consequence: missense variant.
Genome position (GRCh38, 1-based): chr1:36,469,765, G>A on the plus strand (C>T on the coding strand, the complement: CSF3R is on the minus strand). VCF-style: chr1-36469765-G-A. GRCh37 (hg19) VCF-style: chr1-36935366-G-A.
Other names: c.1361C>T, p.Pro454Leu (NM_156039.3, NM_172313.3); short protein forms P454L.
Identifiers: ClinVar variation 2917925 (VCV002917925.3), dbSNP rs1650586310, ClinGen allele CA339420035.